The following is an entry in ClinVar:

NM_003640.5(ELP1):c.1124_1125insTCCG (p.Trp375fs)

Gene: ELP1 (elongator acetyltransferase complex subunit 1; minus strand). Cytogenetic location: 9q31.3.
Variant type: Insertion.
Coding change: c.1124_1125insTCCG on transcript NM_003640.5 (MANE Select); coding-DNA positions 1124 to 1125, TCCG inserted.
Protein change: p.Trp375fs; shifts the reading frame from tryptophan 375.
Molecular consequence: frameshift variant.
Genome position: GRCh38 VCF-style: chr9-108912328-C-CCGGA. GRCh37 (hg19) VCF-style: chr9-111674608-C-CCGGA.
Other names: c.782_783insTCCG, p.Trp261fs (NM_001318360.2); c.77_78insTCCG, p.Trp26fs (NM_001330749.2); short protein forms W261fs, W26fs, W375fs.
Identifiers: ClinVar variation 4815167 (VCV004815167.1).

ClinVar aggregate classification (germline): Likely pathogenic (1 of 4 stars; one submission).

Conditions:
Familial dysautonomia. Also called: HSAN III; FD. Identifiers: Orphanet 1764, MedGen C0013364, MONDO:0009131, OMIM 223900. Disease mechanism: loss of function.

Submission:

Natera, Inc.
Classification: Likely pathogenic for Familial dysautonomia. Last evaluated: 2024-09-30. Review status: criteria provided, single submitter. Criteria: Natera Variant Classification Schema (03/2026). Collection method: clinical testing. Allele origin: germline.
Comment: The c.1124_1125insTCCG variant in ELP1 is a frameshift variant predicted to shift the reading frame beginning at codon 375 and leads to a stop codon 5 codons downstream. This variant is expected to result in nonsense mediated decay, truncation, or a dysfunctional protein product. This variant is rare in the general population with a frequency below the threshold expected for the associated phenotype(s). Given the available evidence, this variant is classified as Likely Pathogenic.